The following is an entry in ClinVar:

NM_001378969.1(KCND3):c.1888C>T (p.Arg630Trp)

Gene: KCND3 (potassium voltage-gated channel subfamily D member 3; minus strand). Cytogenetic location: 1p13.2.
Variant type: single nucleotide variant.
Coding change: c.1888C>T on transcript NM_001378969.1 (MANE Select); coding-DNA position 1888, C replaced by T.
Protein change: p.Arg630Trp; replaces arginine 630 with tryptophan.
Molecular consequence: missense variant.
Genome position (GRCh38, 1-based): chr1:111,776,157, G>A on the plus strand (C>T on the coding strand, the complement: KCND3 is on the minus strand). VCF-style: chr1-111776157-G-A. GRCh37 (hg19) VCF-style: chr1-112318779-G-A.
Other names: c.1831C>T, p.Arg611Trp (NM_001378970.1, NM_172198.3); c.1888C>T, p.Arg630Trp (NM_004980.5); short protein forms R630W, R611W.
Identifiers: ClinVar variation 1782011 (VCV001782011.6), dbSNP rs1261785107, ClinGen allele CA341655237.

ClinVar aggregate classification (germline): Uncertain significance. Review status: criteria provided, multiple submitters, no conflicts (2 of 4 stars). 3 submissions from 3 submitters: Uncertain significance (3). Last evaluated 2025-10-06.

Conditions:
Cardiovascular phenotype. Identifiers: MedGen CN230736.
Spinocerebellar ataxia type 19/22 (SCA19). Also called: SPINOCEREBELLAR ATAXIA 22; SPINOCEREBELLAR ATAXIA 19. Identifiers: Orphanet 98772, MedGen C1846367, MONDO:0011819, OMIM 607346.

Allele frequency attached by ClinVar (database versions not stated): TOPMed 0.00002.
gnomAD v4.1: 6 of 1,614,188 alleles (0.00037%); highest among the groups gnomAD compares: Admixed American, 0.0017%; no homozygotes.

Submissions (3):

Labcorp Genetics (formerly Invitae), Labcorp
Classification: Uncertain significance for Spinocerebellar ataxia type 19/22. Last evaluated: 2025-10-06. Review status: criteria provided, single submitter. Criteria: Invitae Variant Classification Sherloc (09022015). Collection method: clinical testing. Allele origin: germline.
Comment: This sequence change replaces arginine, which is basic and polar, with tryptophan, which is neutral and slightly polar, at codon 630 of the KCND3 protein (p.Arg630Trp). This variant is present in population databases (no rsID available, gnomAD 0.003%). This variant has not been reported in the literature in individuals affected with KCND3-related conditions. ClinVar contains an entry for this variant (Variation ID: 1782011). Invitae Evidence Modeling of protein sequence and biophysical properties (such as structural, functional, and spatial information, amino acid conservation, physicochemical variation, residue mobility, and thermodynamic stability) indicates that this missense variant is not expected to disrupt KCND3 protein function with a negative predictive value of 95%. In summary, the available evidence is currently insufficient to determine the role of this variant in disease. Therefore, it has been classified as a Variant of Uncertain Significance.

Ambry Genetics
Classification: Uncertain significance for Cardiovascular phenotype. Last evaluated: 2024-08-03. Review status: criteria provided, single submitter. Criteria: Ambry Variant Classification Scheme 2023. Collection method: clinical testing. Allele origin: germline.
Comment: The p.R630W variant (also known as c.1888C>T), located in coding exon 7 of the KCND3 gene, results from a C to T substitution at nucleotide position 1888. The arginine at codon 630 is replaced by tryptophan, an amino acid with dissimilar properties. This amino acid position is well conserved in available vertebrate species. In addition, this alteration is predicted to be deleterious by in silico analysis. Since supporting evidence is limited at this time, the clinical significance of this alteration remains unclear.

Athena Diagnostics
Classification: Uncertain significance. Last evaluated: 2021-12-01. Review status: criteria provided, single submitter. Criteria: Athena Diagnostics Criteria. Collection method: clinical testing. Allele origin: unknown.